The following is an entry in ClinVar:

ClinVar aggregate classification (germline): Conflicting classifications of pathogenicity. Review status: criteria provided, conflicting classifications (1 of 4 stars). 9 submissions from 9 submitters: Uncertain significance (8); Likely benign (1). Last evaluated 2026-03-24.

Conditions:
Polymerase proofreading-related adenomatous polyposis. Also called: Polymerase proofreading associated polyposis; Polymerase proofreading–associated polyposis (PPAP). Identifiers: Orphanet 447877, MedGen C5202613, MONDO:0018653.
Colorectal cancer, susceptibility to, 12 (CRCS12). Also called: COLORECTAL CANCER, SUSCEPTIBILITY TO, ON CHROMOSOME 12q24. Identifiers: Orphanet 220460, MedGen C3554460, MONDO:0014038, OMIM 615083.
POLE-related disorder. Also called: POLE-related disorders; POLE-related condition.
Facial dysmorphism-immunodeficiency-livedo-short stature syndrome. Also called: Facial dysmorphism, immunodeficiency, livedo, and short stature; FILS syndrome. Identifiers: Orphanet 352712, MedGen C3554576, MONDO:0014058, OMIM 615139.
Hereditary cancer-predisposing syndrome. Also called: Neoplastic Syndromes, Hereditary; Hereditary neoplastic syndrome; Hereditary Cancer Syndrome; Tumor predisposition. Identifiers: Orphanet 140162, MedGen C0027672, MeSH D009386, MONDO:0015356.

Allele frequency attached by ClinVar (database versions not stated): TOPMed 0.00007; gnomAD 0.00011; ESP Exome Variant Server 0.00015.
gnomAD v4.1: 197 of 1,612,564 alleles (0.012%); highest among the groups gnomAD compares: Non-Finnish European, 0.015%; no homozygotes.

Submissions (9):

Women's Health and Genetics/Laboratory Corporation of America, LabCorp
Classification: Uncertain significance. Last evaluated: 2026-03-24. Review status: criteria provided, single submitter. Criteria: LabCorp Variant Classification Summary - May 2015. Collection method: clinical testing. Allele origin: germline.
Comment: Variant summary: POLE c.6050G>A (p.Arg2017His) results in a non-conservative amino acid change in the encoded protein sequence. Algorithms developed to predict the effect of missense changes on protein structure and function are either unavailable or do not agree on the potential impact of this missense change. The variant allele was found at a frequency of 3.2e-05 in 248196 control chromosomes, predominantly at a frequency of 6.2e-05 within the Non-Finnish European subpopulation in the gnomAD database. The available data on variant occurrences in the general population are insufficient to allow any conclusion about variant significance. c.6050G>A has been reported in the literature in individuals affected with Breast Cancer without strong evidence for causality (Zhao_2019). This report does not provide unequivocal conclusions about association of the variant with Colorectal Cancer. Co-occurrence with a pathogenic variant has been reported (CHEK2 c.1100del, p.T367MfsX15), providing supporting evidence for a benign role. To our knowledge, no experimental evidence demonstrating an impact on protein function has been reported. The following publication has been ascertained in the context of this evaluation (PMID: 30665374). ClinVar contains an entry for this variant (Variation ID: 240582). Based on the evidence outlined above, the variant was classified as uncertain significance.

Labcorp Genetics (formerly Invitae), Labcorp
Classification: Uncertain significance. Last evaluated: 2025-01-29. Review status: criteria provided, single submitter. Criteria: Invitae Variant Classification Sherloc (09022015). Collection method: clinical testing. Allele origin: germline.
Comment: This sequence change replaces arginine, which is basic and polar, with histidine, which is basic and polar, at codon 2017 of the POLE protein (p.Arg2017His). This variant is present in population databases (rs144178150, gnomAD 0.01%). This variant has not been reported in the literature in individuals affected with POLE-related conditions. ClinVar contains an entry for this variant (Variation ID: 240582). Invitae Evidence Modeling of protein sequence and biophysical properties (such as structural, functional, and spatial information, amino acid conservation, physicochemical variation, residue mobility, and thermodynamic stability) indicates that this missense variant is not expected to disrupt POLE protein function with a negative predictive value of 80%. In summary, the available evidence is currently insufficient to determine the role of this variant in disease. Therefore, it has been classified as a Variant of Uncertain Significance.

GeneDx
Classification: Uncertain significance. Last evaluated: 2024-12-23. Review status: criteria provided, single submitter. Criteria: GeneDx Variant Classification Process June 2021. Collection method: clinical testing. Allele origin: germline. Affected: yes.
Comment: Has not been previously published as pathogenic or benign to our knowledge; In silico analysis indicates that this missense variant does not alter protein structure/function; This variant is associated with the following publications: (PMID: 28427513)

PreventionGenetics, part of Exact Sciences
Classification: Uncertain significance for POLE-related condition. Last evaluated: 2024-12-20. Review status: criteria provided, single submitter. Criteria: ACMG Guidelines, 2015. Collection method: clinical testing. Allele origin: germline.
Comment: The POLE c.6050G>A variant is predicted to result in the amino acid substitution p.Arg2017His. To our knowledge, this variant has not been reported in the literature. This variant is reported in 0.0097% of alleles in individuals of Ashkenazi Jewish descent in gnomAD. At this time, the clinical significance of this variant is uncertain due to the absence of conclusive functional and genetic evidence.

Ambry Genetics
Classification: Likely benign for Hereditary cancer-predisposing syndrome. Last evaluated: 2024-12-05. Review status: criteria provided, single submitter. Criteria: Ambry Variant Classification Scheme 2023. Collection method: clinical testing. Allele origin: germline.

Blueprint Genetics
Classification: Uncertain significance. Last evaluated: 2023-11-06. Review status: criteria provided, single submitter. Criteria: ACMG Guidelines, 2015. Collection method: clinical testing. Allele origin: germline.

Department of Pathology and Laboratory Medicine, Sinai Health System
Classification: Uncertain significance for Polymerase proofreading-related adenomatous polyposis. Last evaluated: 2023-01-03. Review status: criteria provided, single submitter. Criteria: ACMG Guidelines, 2015. Collection method: clinical testing. Allele origin: germline. Affected: yes.

Quest Diagnostics Nichols Institute San Juan Capistrano
Classification: Uncertain significance. Last evaluated: 2020-03-18. Review status: criteria provided, single submitter. Criteria: Quest Diagnostics criteria. Collection method: clinical testing. Allele origin: unknown.

Fulgent Genetics
Classification: Uncertain significance for Colorectal cancer, susceptibility to, 12; Facial dysmorphism-immunodeficiency-livedo-short stature syndrome. Last evaluated: 2018-10-31. Review status: criteria provided, single submitter. Criteria: ACMG Guidelines, 2015. Collection method: clinical testing. Allele origin: unknown.

Literature cited by the submitters: PubMed 30665374 (cited by Women's Health and Genetics/Laboratory Corporation of America, LabCorp).

NM_006231.4(POLE):c.6050G>A (p.Arg2017His)

Gene: POLE (DNA polymerase epsilon, catalytic subunit; minus strand). Cytogenetic location: 12q24.33.
Variant type: single nucleotide variant.
Coding change: c.6050G>A on transcript NM_006231.4 (MANE Select); coding-DNA position 6050, G replaced by A.
Protein change: p.Arg2017His; replaces arginine 2017 with histidine.
Molecular consequence: missense variant.
Genome position (GRCh38, 1-based): chr12:132,632,750, C>T on the plus strand (G>A on the coding strand, the complement: POLE is on the minus strand). VCF-style: chr12-132632750-C-T. GRCh37 (hg19) VCF-style: chr12-133209336-C-T.
Other names: short protein forms R2017H.
Identifiers: ClinVar variation 240582 (VCV000240582.26), dbSNP rs144178150, ClinGen allele CA6892296.
Genomic context (GRCh38, chr12:132,632,750, plus strand): 5'-GCCTCCTGGGAGAGCTGGCTGGCCCCCCTCCTCCTCACGGGGGTGCTCCCTGGAGCACTG[C>T]GCCTCAGCCCGTCCTTCATGCAGTGGTACACGGCCACGATGTACGCTGTGGAGAGGCACA-3'
Protein context (NP_006222.2, residues 2007-2027): VYHCMKDGLR[Arg2017His]SAPGSTPVRR